The following is an entry in ClinVar:

ClinVar aggregate classification (germline): Likely benign (1 of 4 stars; one submission).

gnomAD v4.1: 1,998 of 1,609,398 alleles (0.12%); highest among the groups gnomAD compares: Non-Finnish European, 0.16%; 2 homozygotes.

Submission:

CeGaT Center for Human Genetics Tuebingen
Classification: Likely benign. Last evaluated: 2026-04-01. Review status: criteria provided, single submitter. Criteria: CeGaT Center For Human Genetics Tuebingen Variant Classification Criteria Version 2. Collection method: clinical testing. Allele origin: germline. Affected: yes. Observed: 2 variant alleles.
Comment: ESAM: BP4, BP7

NM_138961.3(ESAM):c.37C>T (p.Leu13=)

Genes: ESAM (endothelial cell adhesion molecule; minus strand), ESAM-AS1 (ESAM antisense RNA 1; plus strand). Cytogenetic location: 11q24.2.
Variant type: single nucleotide variant.
Coding change: c.37C>T on transcript NM_138961.3 (MANE Select); coding-DNA position 37, C replaced by T.
Protein change: p.Leu13=; no amino-acid change (leucine 13 retained).
Molecular consequence: synonymous variant.
Genome position (GRCh38, 1-based): chr11:124,762,118, G>A on the plus strand (C>T on the coding strand, the complement: ESAM is on the minus strand). VCF-style: chr11-124762118-G-A. GRCh37 (hg19) VCF-style: chr11-124632014-G-A.
Identifiers: ClinVar variation 4533509 (VCV004533509.6).
Genomic context (GRCh38, chr11:124,762,118, plus strand): 5'-TCCCCTCCAGGTCCGGGTTTCACTCACCGAGGGCACTCAGCCCCAGGAACAAAAACCGCA[G>A]CAAGTTGGTCACCAGGGGCCCCGGGAGGGAAATCATGGCCCTCCCTGGCCGGGACGGAGT-3'
Protein context (NP_620411.2, residues 3-23): SLPGPLVTNL[Leu13=]RFLFLGLSAL